The following is an entry in ClinVar:

ClinVar aggregate classification (germline): Uncertain significance (1 of 4 stars; one submission).

Conditions:
Loeys-Dietz syndrome 2 (LDS2). Also called: Marfan syndrome, type 2 (formerly); TGFBR2-Related Loeys-Dietz Syndrome; AORTIC ANEURYSM, FAMILIAL THORACIC 3; MARFAN SYNDROME, TYPE II; Marfan like connective tissue disorder; MFS 2. Identifiers: Orphanet 284973, Orphanet 558, MedGen C2674574, MONDO:0012427, OMIM 610168.

gnomAD v4.1: 6 of 1,488,128 alleles (0.0004%); highest among the groups gnomAD compares: Non-Finnish European, 0.00044%; no homozygotes.

Submission:

Labcorp Genetics (formerly Invitae), Labcorp
Classification: Uncertain significance for Loeys-Dietz syndrome 2. Last evaluated: 2020-02-24. Review status: criteria provided, single submitter. Criteria: Invitae Variant Classification Sherloc (09022015). Collection method: clinical testing. Allele origin: germline.
Comment: In summary, the available evidence is currently insufficient to determine the role of this variant in disease. Therefore, it has been classified as a Variant of Uncertain Significance. Algorithms developed to predict the effect of missense changes on protein structure and function are either unavailable or do not agree on the potential impact of this missense change (SIFT: "Deleterious"; PolyPhen-2: "Benign"; Align-GVGD: "Class C0"). This variant has not been reported in the literature in individuals with TMPO-related conditions. The frequency data for this variant in the population databases is considered unreliable, as metrics indicate insufficient coverage at this position in the ExAC database. This sequence change replaces arginine with glycine at codon 86 of the TMPO protein (p.Arg86Gly). The arginine residue is moderately conserved and there is a moderate physicochemical difference between arginine and glycine.

NM_001032283.3(TMPO):c.256C>G (p.Arg86Gly)

Genes: TMPO (thymopoietin; plus strand), TMPO-AS1 (TMPO antisense RNA 1; minus strand), LOC130008520 (ATAC-STARR-seq lymphoblastoid silent region 4752; plus strand). Cytogenetic location: 12q23.1.
Variant type: single nucleotide variant.
Coding change: c.256C>G on transcript NM_001032283.3 (MANE Select); coding-DNA position 256, C replaced by G.
Protein change: p.Arg86Gly; replaces arginine 86 with glycine.
Molecular consequence: missense variant. On other transcripts: non-coding transcript variant (1).
Genome position (GRCh38, 1-based): chr12:98,516,123, C>G. VCF-style: chr12-98516123-C-G. GRCh37 (hg19) VCF-style: chr12-98909901-C-G.
Other names: c.256C>G, p.Arg86Gly (NM_001032284.3, NM_001307975.2, NM_003276.2); short protein forms R86G.
Identifiers: ClinVar variation 1011482 (VCV001011482.11), dbSNP rs1875778307, ClinGen allele CA386239749.